The following is an entry in ClinVar:

ClinVar aggregate classification (germline): Uncertain significance. Review status: criteria provided, multiple submitters, no conflicts (2 of 4 stars). 2 submissions from 2 submitters: Uncertain significance (2). Last evaluated 2024-11-25.

Conditions:
Hereditary cancer-predisposing syndrome. Also called: Tumor predisposition; Hereditary Cancer Syndrome; Hereditary neoplastic syndrome; Neoplastic Syndromes, Hereditary. Identifiers: Orphanet 140162, MedGen C0027672, MeSH D009386, MONDO:0015356.

Submissions (2):

Ambry Genetics
Classification: Uncertain significance for Hereditary cancer-predisposing syndrome. Last evaluated: 2024-11-25. Review status: criteria provided, single submitter. Criteria: Ambry Variant Classification Scheme 2023. Collection method: clinical testing. Allele origin: germline.
Comment: The p.K256R variant (also known as c.767A>G), located in coding exon 6 of the FH gene, results from an A to G substitution at nucleotide position 767. The lysine at codon 256 is replaced by arginine, an amino acid with highly similar properties. This amino acid position is not well conserved in available vertebrate species. In addition, the in silico prediction for this alteration is inconclusive. Based on the available evidence, the clinical significance of this variant remains unclear.

Labcorp Genetics (formerly Invitae), Labcorp
Classification: Uncertain significance. Last evaluated: 2022-02-21. Review status: criteria provided, single submitter. Criteria: Invitae Variant Classification Sherloc (09022015). Collection method: clinical testing. Allele origin: germline.
Comment: This variant is not present in population databases (gnomAD no frequency). In summary, the available evidence is currently insufficient to determine the role of this variant in disease. Therefore, it has been classified as a Variant of Uncertain Significance. Algorithms developed to predict the effect of sequence changes on RNA splicing suggest that this variant may create or strengthen a splice site. Advanced modeling of protein sequence and biophysical properties (such as structural, functional, and spatial information, amino acid conservation, physicochemical variation, residue mobility, and thermodynamic stability) performed at Invitae indicates that this missense variant is not expected to disrupt FH protein function. This variant has not been reported in the literature in individuals affected with FH-related conditions. This sequence change replaces lysine, which is basic and polar, with arginine, which is basic and polar, at codon 256 of the FH protein (p.Lys256Arg).

NM_000143.4(FH):c.767A>G (p.Lys256Arg)

Gene: FH (fumarate hydratase; minus strand). Cytogenetic location: 1q43.
Variant type: single nucleotide variant.
Coding change: c.767A>G on transcript NM_000143.4 (MANE Select); coding-DNA position 767, A replaced by G.
Protein change: p.Lys256Arg; replaces lysine 256 with arginine.
Molecular consequence: missense variant.
Genome position (GRCh38, 1-based): chr1:241,506,140, T>C on the plus strand (A>G on the coding strand, the complement: FH is on the minus strand). VCF-style: chr1-241506140-T-C. GRCh37 (hg19) VCF-style: chr1-241669440-T-C.
Other names: short protein forms K256R.
Identifiers: ClinVar variation 1989565 (VCV001989565.5), dbSNP rs978988174, ClinGen allele CA345439065.